The following is an entry in ClinVar:

ClinVar aggregate classification (germline): Likely pathogenic (1 of 4 stars; one submission).

Submission:

Labcorp Genetics (formerly Invitae), Labcorp
Classification: Likely pathogenic. Last evaluated: 2021-11-13. Review status: criteria provided, single submitter. Criteria: Invitae Variant Classification Sherloc (09022015). Collection method: clinical testing. Allele origin: germline.
Comment: This sequence change affects an acceptor splice site in intron 9 of the SLC39A4 gene. It is expected to disrupt RNA splicing. Variants that disrupt the donor or acceptor splice site typically lead to a loss of protein function (PMID: 16199547), and loss-of-function variants in SLC39A4 are known to be pathogenic (PMID: 12955721). This variant is not present in population databases (gnomAD no frequency). This variant has not been reported in the literature in individuals affected with SLC39A4-related conditions. Algorithms developed to predict the effect of sequence changes on RNA splicing suggest that this variant may disrupt the consensus splice site. In summary, the currently available evidence indicates that the variant is pathogenic, but additional data are needed to prove that conclusively. Therefore, this variant has been classified as Likely Pathogenic.

Literature cited by the submitters: PubMed 16199547; PubMed 12955721.

NM_130849.4(SLC39A4):c.1475-1G>T

Gene: SLC39A4 (solute carrier family 39 member 4; minus strand). Cytogenetic location: 8q24.3.
Variant type: single nucleotide variant.
Coding change: c.1475-1G>T on transcript NM_130849.4 (MANE Select); the canonical splice acceptor site of the intron before coding-DNA position 1475, G replaced by T.
Molecular consequence: splice acceptor variant.
Genome position (GRCh38, 1-based): chr8:144,413,390, C>A on the plus strand (G>T on the coding strand, the complement: SLC39A4 is on the minus strand). VCF-style: chr8-144413390-C-A. GRCh37 (hg19) VCF-style: chr8-145638774-C-A.
Other names: c.1193-1G>T (NM_001374839.1); c.1400-1G>T (NM_017767.3); c.-20-1G>T (NM_001280557.2).
Identifiers: ClinVar variation 1514631 (VCV001514631.6), dbSNP rs2130794509, ClinGen allele CA372618804.